The following is an entry in ClinVar:

NM_014391.3(ANKRD1):c.178T>A (p.Trp60Arg)

Gene: ANKRD1 (ankyrin repeat domain 1; minus strand). Cytogenetic location: 10q23.31.
Variant type: single nucleotide variant.
Coding change: c.178T>A on transcript NM_014391.3 (MANE Select); coding-DNA position 178, T replaced by A.
Protein change: p.Trp60Arg; replaces tryptophan 60 with arginine.
Molecular consequence: missense variant.
Genome position (GRCh38, 1-based): chr10:90,920,198, A>T on the plus strand (T>A on the coding strand, the complement: ANKRD1 is on the minus strand). VCF-style: chr10-90920198-A-T. GRCh37 (hg19) VCF-style: chr10-92679955-A-T.
Other names: short protein forms W60R.
Identifiers: ClinVar variation 2626155 (VCV002626155.2), dbSNP rs2492962547, ClinGen allele CA377553420.

ClinVar aggregate classification (germline): Uncertain significance (1 of 4 stars; one submission).

Conditions:
Cardiovascular phenotype. Identifiers: MedGen CN230736.

Submission:

Ambry Genetics
Classification: Uncertain significance for Cardiovascular phenotype. Last evaluated: 2023-09-06. Review status: criteria provided, single submitter. Criteria: Ambry Variant Classification Scheme 2023. Collection method: clinical testing. Allele origin: germline.
Comment: The p.W60R variant (also known as c.178T>A), located in coding exon 2 of the ANKRD1 gene, results from a T to A substitution at nucleotide position 178. The tryptophan at codon 60 is replaced by arginine, an amino acid with dissimilar properties. This amino acid position is not well conserved in available vertebrate species. In addition, this alteration is predicted to be tolerated by in silico analysis. The evidence for this gene-disease relationship is limited; therefore, the clinical significance of this alteration is unclear.